The following is an entry in ClinVar:

NM_020822.3(KCNT1):c.1975C>T (p.Arg659Cys)

Gene: KCNT1 (potassium sodium-activated channel subfamily T member 1; plus strand). Cytogenetic location: 9q34.3.
Variant type: single nucleotide variant.
Coding change: c.1975C>T on transcript NM_020822.3 (MANE Select); coding-DNA position 1975, C replaced by T.
Protein change: p.Arg659Cys; replaces arginine 659 with cysteine.
Molecular consequence: missense variant.
Genome position (GRCh38, 1-based): chr9:135,771,062, C>T. VCF-style: chr9-135771062-C-T. GRCh37 (hg19) VCF-style: chr9-138662908-C-T.
Other names: c.1840C>T, p.Arg614Cys (NM_001272003.2); short protein forms R659C, R614C.
Identifiers: ClinVar variation 431905 (VCV000431905.5), dbSNP rs753599140, ClinGen allele CA5327127.

ClinVar aggregate classification (germline): Uncertain significance. Review status: criteria provided, multiple submitters, no conflicts (2 of 4 stars). 3 submissions from 3 submitters: Uncertain significance (3). Last evaluated 2024-06-04.

Conditions:
Developmental and epileptic encephalopathy, 14 (DEE14). Also called: Early infantile epileptic encephalopathy 14. Identifiers: Orphanet 293181, MedGen C3554195, MONDO:0013989, OMIM 614959.
Autosomal dominant nocturnal frontal lobe epilepsy 5. Also called: CILIARY DYSKINESIA, PRIMARY, 28, WITH SITUS INVERSUS; Epilepsy, nocturnal frontal lobe, 5; CILIARY DYSKINESIA, PRIMARY, 28, WITHOUT SITUS INVERSUS; KCNT1-Related Epilepsy. Identifiers: Orphanet 98784, MedGen C3554306, MONDO:0014002, OMIM 615005.

Allele frequency attached by ClinVar (database versions not stated): gnomAD 0.00001; TOPMed 0.00002; gnomAD exomes 0.00003; ExAC 0.00005.
gnomAD v4.1: 48 of 1,611,688 alleles (0.003%); highest among the groups gnomAD compares: South Asian, 0.034%; 1 homozygote.

Submissions (3):

Labcorp Genetics (formerly Invitae), Labcorp
Classification: Uncertain significance for Autosomal dominant nocturnal frontal lobe epilepsy 5; Developmental and epileptic encephalopathy, 14. Last evaluated: 2024-06-04. Review status: criteria provided, single submitter. Criteria: Invitae Variant Classification Sherloc (09022015). Collection method: clinical testing. Allele origin: germline.
Comment: This sequence change replaces arginine, which is basic and polar, with cysteine, which is neutral and slightly polar, at codon 659 of the KCNT1 protein (p.Arg659Cys). This variant is present in population databases (rs753599140, gnomAD 0.02%). This variant has not been reported in the literature in individuals affected with KCNT1-related conditions. ClinVar contains an entry for this variant (Variation ID: 431905). Advanced modeling of protein sequence and biophysical properties (such as structural, functional, and spatial information, amino acid conservation, physicochemical variation, residue mobility, and thermodynamic stability) performed at Invitae indicates that this missense variant is not expected to disrupt KCNT1 protein function with a negative predictive value of 80%. In summary, the available evidence is currently insufficient to determine the role of this variant in disease. Therefore, it has been classified as a Variant of Uncertain Significance.

Fulgent Genetics
Classification: Uncertain significance for Developmental and epileptic encephalopathy, 14; Autosomal dominant nocturnal frontal lobe epilepsy 5. Last evaluated: 2022-01-06. Review status: criteria provided, single submitter. Criteria: ACMG Guidelines, 2015. Collection method: clinical testing. Allele origin: unknown.

GeneDx
Classification: Uncertain significance. Last evaluated: 2018-06-27. Review status: criteria provided, single submitter. Criteria: GeneDx Variant Classification (06012015). Collection method: clinical testing. Allele origin: germline. Affected: yes.
Comment: The R659C variant in the KCNT1 gene has not been published as a pathogenic variant, nor has it been reported as a benign variant to our knowledge. The R659C variant was not observed in approximately 6500 individuals of European and African American ancestry in the NHLBI Exome Sequencing Project, indicating it is not a common benign variant in these populations. The R659C variant is a non-conservative amino acid substitution, which is likely to impact secondary protein structure as these residues differ in polarity, charge, size and/or other properties. This substitution occurs at a position that is conserved in mammals. In silico analysis predicts this variant is probably damaging to the protein structure/function. We interpret R659C as a variant of uncertain significance.